The following is an entry in ClinVar:

NM_020778.5(ALPK3):c.3401C>T (p.Ala1134Val)

Gene: ALPK3 (alpha kinase 3; plus strand). Cytogenetic location: 15q25.3.
Variant type: single nucleotide variant.
Coding change: c.3401C>T on transcript NM_020778.5 (MANE Select); coding-DNA position 3401, C replaced by T.
Protein change: p.Ala1134Val; replaces alanine 1134 with valine.
Molecular consequence: missense variant.
Genome position (GRCh38, 1-based): chr15:84,858,139, C>T. VCF-style: chr15-84858139-C-T. GRCh37 (hg19) VCF-style: chr15-85401370-C-T.
Other names: short protein forms A1336V, A1134V.
Identifiers: ClinVar variation 506810 (VCV000506810.45), dbSNP rs139666355, ClinGen allele CA7709621.

ClinVar aggregate classification (germline): Conflicting classifications of pathogenicity. Review status: criteria provided, conflicting classifications (1 of 4 stars). 12 submissions from 12 submitters: Uncertain significance (1); Likely benign (8). 3 of the submissions do not count toward it. Last evaluated 2026-03-01.

Conditions:
ALPK3-related disorder. Also called: ALPK3-related condition.
Cardiovascular phenotype. Identifiers: MedGen CN230736.
Cardiomyopathy, familial hypertrophic 27. Identifiers: MedGen C4748014, MONDO:0054838, OMIM 618052.

Allele frequency attached by ClinVar (database versions not stated): TOPMed 0.00092; gnomAD exomes 0.00103 and 0.00084; ExAC 0.00125; 1000 Genomes Project 0.00040; 1000 Genomes Project 30x 0.00047; ESP Exome Variant Server 0.00054; gnomAD 0.00056 and 0.00066.
gnomAD v4.1: 1,352 of 1,601,886 alleles (0.084%); highest among the groups gnomAD compares: Middle Eastern, 0.93%; 7 homozygotes.

Submissions (12):

CeGaT Center for Human Genetics Tuebingen
Classification: Likely benign. Last evaluated: 2026-03-01. Review status: criteria provided, single submitter. Criteria: CeGaT Center For Human Genetics Tuebingen Variant Classification Criteria Version 2. Collection method: clinical testing. Allele origin: germline. Affected: yes. Observed: 3 variant alleles.
Comment: ALPK3: BP4

Labcorp Genetics (formerly Invitae), Labcorp
Classification: Likely benign. Last evaluated: 2026-02-02. Review status: criteria provided, single submitter. Criteria: Invitae Variant Classification Sherloc (09022015). Collection method: clinical testing. Allele origin: germline.

Molecular Diagnostic Laboratory for Inherited Cardiovascular Disease, Montreal Heart Institute
Classification: Likely benign. Last evaluated: 2025-04-09. Review status: criteria provided, single submitter. Criteria: ACMG Guidelines, 2015. Collection method: clinical testing. Allele origin: germline. Affected: no.

ARUP Laboratories, Molecular Genetics and Genomics, ARUP Laboratories
Classification: Likely benign for Cardiomyopathy, familial hypertrophic 27. Last evaluated: 2025-03-03. Review status: criteria provided, single submitter. Criteria: ARUP Molecular Germline Variant Investigation Process 2024. Collection method: clinical testing. Allele origin: germline.

Blueprint Genetics
Classification: Likely benign. Last evaluated: 2024-11-18. Review status: criteria provided, single submitter. Criteria: ACMG Guidelines, 2015. Collection method: clinical testing. Allele origin: germline.

Women's Health and Genetics/Laboratory Corporation of America, LabCorp
Classification: Uncertain significance. Last evaluated: 2024-06-17. Review status: criteria provided, single submitter. Criteria: LabCorp Variant Classification Summary - May 2015. Collection method: clinical testing. Allele origin: germline.

GeneDx
Classification: Likely benign. Last evaluated: 2022-06-24. Review status: criteria provided, single submitter. Criteria: GeneDx Variant Classification Process June 2021. Collection method: clinical testing. Allele origin: germline. Affected: yes.
Comment: See Variant Classification Assertion Criteria.

Ambry Genetics
Classification: Likely benign for Cardiovascular phenotype. Last evaluated: 2019-03-21. Review status: criteria provided, single submitter. Criteria: Ambry Variant Classification Scheme 2023. Collection method: clinical testing. Allele origin: germline.

Breakthrough Genomics
Classification: Likely benign. Review status: criteria provided, single submitter. Criteria: ACMG Guidelines, 2015. Collection method: not provided. Allele origin: germline. Inheritance: Autosomal recessive inheritance. Affected: yes.

PreventionGenetics, part of Exact Sciences
Classification: Likely benign for ALPK3-related condition. Last evaluated: 2020-10-02. Review status: no assertion criteria provided. Collection method: clinical testing. Allele origin: germline. Not counted in ClinVar's aggregate classification.
Comment: This variant is classified as likely benign based on ACMG/AMP sequence variant interpretation guidelines (Richards et al. 2015 PMID: 25741868, with internal and published modifications).

Clinical Genetics DNA and cytogenetics Diagnostics Lab, Erasmus MC, Erasmus Medical Center
Classification: Likely benign. Review status: no assertion criteria provided. Collection method: clinical testing. Allele origin: germline. Affected: yes. Study: VKGL Data-share Consensus. Not counted in ClinVar's aggregate classification.

Clinical Genetics, Academic Medical Center
Classification: Benign. Review status: no assertion criteria provided. Collection method: clinical testing. Allele origin: germline. Affected: yes. Study: VKGL Data-share Consensus. Not counted in ClinVar's aggregate classification.